The following is an entry in ClinVar:

ClinVar aggregate classification (germline): Uncertain significance (1 of 4 stars; one submission).

Conditions:
Leber congenital amaurosis 6 (LCA6). Identifiers: Orphanet 65, MedGen C1854260, MONDO:0013446, OMIM 613826.
Cone-rod dystrophy 13 (CORD13). Identifiers: Orphanet 1872, MedGen C2750720, MONDO:0011987, OMIM 608194.

Allele frequency attached by ClinVar (database versions not stated): TOPMed below 0.00001.

Submission:

Labcorp Genetics (formerly Invitae), Labcorp
Classification: Uncertain significance for Leber congenital amaurosis 6; Cone-rod dystrophy 13. Last evaluated: 2022-11-22. Review status: criteria provided, single submitter. Criteria: Invitae Variant Classification Sherloc (09022015). Collection method: clinical testing. Allele origin: germline.
Comment: ClinVar contains an entry for this variant (Variation ID: 1011925). This variant has not been reported in the literature in individuals affected with RPGRIP1-related conditions. This variant is not present in population databases (gnomAD no frequency). This sequence change replaces lysine, which is basic and polar, with threonine, which is neutral and polar, at codon 767 of the RPGRIP1 protein (p.Lys767Thr). Advanced modeling of protein sequence and biophysical properties (such as structural, functional, and spatial information, amino acid conservation, physicochemical variation, residue mobility, and thermodynamic stability) performed at Invitae indicates that this missense variant is expected to disrupt RPGRIP1 protein function. In summary, the available evidence is currently insufficient to determine the role of this variant in disease. Therefore, it has been classified as a Variant of Uncertain Significance.

NM_020366.4(RPGRIP1):c.2300A>C (p.Lys767Thr)

Gene: RPGRIP1 (RPGR interacting protein 1; plus strand). Cytogenetic location: 14q11.2.
Variant type: single nucleotide variant.
Coding change: c.2300A>C on transcript NM_020366.4 (MANE Select); coding-DNA position 2300, A replaced by C.
Protein change: p.Lys767Thr; replaces lysine 767 with threonine.
Molecular consequence: missense variant. On other transcripts: intron variant (4).
Genome position (GRCh38, 1-based): chr14:21,325,316, A>C. VCF-style: chr14-21325316-A-C. GRCh37 (hg19) VCF-style: chr14-21793475-A-C.
Other names: c.1226A>C, p.Lys409Thr (NM_001377948.1); c.796+591A>C (NM_001377949.1); c.689-2307A>C (NM_001377523.1, NM_001377950.1); c.191-2307A>C (NM_001377951.1); short protein forms K409T, K767T.
Identifiers: ClinVar variation 1011925 (VCV001011925.8), dbSNP rs1594214205, ClinGen allele CA388868566.